The following is an entry in ClinVar:

ClinVar aggregate classification (germline): Uncertain significance (1 of 4 stars; one submission).

Submission:

Labcorp Genetics (formerly Invitae), Labcorp
Classification: Uncertain significance. Last evaluated: 2022-08-23. Review status: criteria provided, single submitter. Criteria: Invitae Variant Classification Sherloc (09022015). Collection method: clinical testing. Allele origin: germline.
Comment: This sequence change replaces aspartic acid, which is acidic and polar, with asparagine, which is neutral and polar, at codon 4806 of the ADGRV1 protein (p.Asp4806Asn). In summary, the available evidence is currently insufficient to determine the role of this variant in disease. Therefore, it has been classified as a Variant of Uncertain Significance. Algorithms developed to predict the effect of missense changes on protein structure and function output the following: SIFT: "Tolerated"; PolyPhen-2: "Possibly Damaging"; Align-GVGD: "Class C0". The asparagine amino acid residue is found in multiple mammalian species, which suggests that this missense change does not adversely affect protein function. This variant has not been reported in the literature in individuals affected with ADGRV1-related conditions. This variant is not present in population databases (gnomAD no frequency).

NM_032119.4(ADGRV1):c.14416G>A (p.Asp4806Asn)

Gene: ADGRV1 (adhesion G protein-coupled receptor V1; plus strand). Cytogenetic location: 5q14.3.
Variant type: single nucleotide variant.
Coding change: c.14416G>A on transcript NM_032119.4 (MANE Select); coding-DNA position 14416, G replaced by A.
Protein change: p.Asp4806Asn; replaces aspartic acid 4806 with asparagine.
Molecular consequence: missense variant. On other transcripts: non-coding transcript variant (1).
Genome position (GRCh38, 1-based): chr5:90,791,245, G>A. VCF-style: chr5-90791245-G-A. GRCh37 (hg19) VCF-style: chr5-90087062-G-A.
Other names: short protein forms D4806N.
Identifiers: ClinVar variation 2101814 (VCV002101814.4), dbSNP rs1760039020, ClinGen allele CA360401839.